The following is an entry in ClinVar:

NM_004415.4(DSP):c.4471G>C (p.Asp1491His)

Gene: DSP (desmoplakin; plus strand). Cytogenetic location: 6p24.3.
Variant type: single nucleotide variant.
Coding change: c.4471G>C on transcript NM_004415.4 (MANE Select); coding-DNA position 4471, G replaced by C.
Protein change: p.Asp1491His; replaces aspartic acid 1491 with histidine.
Molecular consequence: missense variant. On other transcripts: intron variant (2).
Genome position (GRCh38, 1-based): chr6:7,580,661, G>C. VCF-style: chr6-7580661-G-C. GRCh37 (hg19) VCF-style: chr6-7580894-G-C.
Other names: c.4050+421G>C (NM_001319034.2); c.3582+889G>C (NM_001008844.3); short protein forms D1491H.
Identifiers: ClinVar variation 3071797 (VCV003071797.1), dbSNP rs768402359, ClinGen allele CA362686385.

ClinVar aggregate classification (germline): Uncertain significance (1 of 4 stars; one submission).

Conditions:
Arrhythmogenic cardiomyopathy with wooly hair and keratoderma. Also called: PALMOPLANTAR KERATODERMA WITH LEFT VENTRICULAR CARDIOMYOPATHY AND WOOLLY HAIR; Carvajal syndrome; Dilated cardiomyopathy with woolly hair and keratoderma; Arrhythmogenic cardiomyopathy with woolly hair and keratoderma. Identifiers: Orphanet 65282, MedGen C1854063, MONDO:0011581, OMIM 605676.

Submission:

All of Us Research Program, National Institutes of Health
Classification: Uncertain significance for Arrhythmogenic cardiomyopathy with wooly hair and keratoderma. Last evaluated: 2023-06-26. Review status: criteria provided, single submitter. Criteria: ACMG Guidelines, 2015. Collection method: clinical testing. Allele origin: germline. Inheritance: Autosomal dominant inheritance. Observed: 1 variant allele, 1 heterozygote.
Comment: This missense variant replaces aspartic acid with histidine at codon 1491 of the DSP protein. Computational prediction suggests that this variant may not impact protein structure and function (internally defined REVEL score threshold <= 0.5, PMID: 27666373). To our knowledge, functional studies have not been reported for this variant. This variant has not been reported in individuals affected with DSP-related disorders in the literature. This variant has not been identified in the general population by the Genome Aggregation Database (gnomAD). The available evidence is insufficient to determine the role of this variant in disease conclusively. Therefore, this variant is classified as a Variant of Uncertain Significance.

This study involves interpretation of variants in research participants for the purpose of population health screening. Participant phenotype was not available at the time of variant classification. Additional details can be found in publication PMID: 35346344, PMCID: PMC8962531